The following is an entry in ClinVar:

NM_001048174.2(MUTYH):c.517A>C (p.Met173Leu)

Gene: MUTYH (mutY DNA glycosylase; minus strand). Cytogenetic location: 1p34.1.
Variant type: single nucleotide variant.
Coding change: c.517A>C on transcript NM_001048174.2 (MANE Select); coding-DNA position 517, A replaced by C.
Protein change: p.Met173Leu; replaces methionine 173 with leucine.
Molecular consequence: missense variant. On other transcripts: non-coding transcript variant (7).
Genome position (GRCh38, 1-based): chr1:45,332,663, T>G on the plus strand (A>C on the coding strand, the complement: MUTYH is on the minus strand). VCF-style: chr1-45332663-T-G. GRCh37 (hg19) VCF-style: chr1-45798335-T-G.
Other names: c.601A>C, p.Met201Leu (NM_001128425.2); c.562A>C, p.Met188Leu (NM_001293190.2); c.550A>C, p.Met184Leu (NM_001293191.2, NM_001407069.1, NM_001407077.1); c.241A>C, p.Met81Leu (NM_001293192.2, NM_001293196.2, NM_001407091.1); c.517A>C, p.Met173Leu (NM_001293195.2, NM_001407088.1, NM_001407089.1 and 6 more transcripts); c.172A>C, p.Met58Leu (NM_001350650.2, NM_001350651.2, NM_001407082.1); c.559A>C, p.Met187Leu (NM_001407083.1, NM_001407085.1); c.520A>C, p.Met174Leu (NM_001407086.1, NM_001048172.2, NM_001407071.1 and 1 more transcripts); and 5 more; short protein forms M173L, M180L, M58L, M81L, M159L, M160L, M184L, M201L.
Identifiers: ClinVar variation 4113755 (VCV004113755.1).

ClinVar aggregate classification (germline): Uncertain significance (1 of 4 stars; one submission).

Conditions:
Hereditary cancer-predisposing syndrome. Also called: Hereditary neoplastic syndrome; Neoplastic Syndromes, Hereditary; Tumor predisposition; Hereditary Cancer Syndrome. Identifiers: Orphanet 140162, MedGen C0027672, MeSH D009386, MONDO:0015356.

Submission:

Ambry Genetics
Classification: Uncertain significance for Hereditary cancer-predisposing syndrome. Last evaluated: 2025-08-27. Review status: criteria provided, single submitter. Criteria: Ambry Variant Classification Scheme 2023. Collection method: clinical testing. Allele origin: germline.
Comment: The p.M201L variant (also known as c.601A>C), located in coding exon 8 of the MUTYH gene, results from an A to C substitution at nucleotide position 601. The methionine at codon 201 is replaced by leucine, an amino acid with highly similar properties. This amino acid position is conserved. In addition, this alteration is predicted to be tolerated by in silico analysis. Based on the available evidence, the clinical significance of this variant remains unclear.